The following is an entry in ClinVar:

NM_001369.3(DNAH5):c.5563dup (p.Ile1855fs)

Gene: DNAH5 (dynein axonemal heavy chain 5; minus strand). Cytogenetic location: 5p15.2.
Variant type: Duplication.
Coding change: c.5563dup on transcript NM_001369.3 (MANE Select); coding-DNA position 5563, one base duplicated (A; older notation c.5563dupA).
Protein change: p.Ile1855fs; shifts the reading frame from isoleucine 1855.
Molecular consequence: frameshift variant.
Genome position (GRCh38, 1-based): chr5:13,841,052, T duplicated on the plus strand (A on the coding strand, the reverse complement: DNAH5 is on the minus strand); the first of 7 consecutive T bases (chr5:13,841,052-13,841,058); duplicating any one gives the same sequence. VCF-style (leftmost placement, unchanged base first): chr5-13841051-A-AT. GRCh37 (hg19) VCF-style: chr5-13841160-A-AT.
Other names: c.5563dupA (NM_001369.2); short protein forms I1855fs.
Identifiers: ClinVar variation 407241 (VCV000407241.31), dbSNP rs752925056, ClinGen allele CA3203638.

ClinVar aggregate classification (germline): Pathogenic. Review status: criteria provided, multiple submitters, no conflicts (2 of 4 stars). 12 submissions from 12 submitters: Pathogenic (10). 2 of the submissions do not count toward it. Last evaluated 2026-01-16.

Conditions:
DNAH5-related disorders.
Primary ciliary dyskinesia 3. Identifiers: Orphanet 244, MedGen C1837618, MONDO:0012085, OMIM 608644.
Primary ciliary dyskinesia. Also called: Ciliary dyskinesia. Identifiers: Orphanet 244, MedGen C0008780, MONDO:0016575, HP:0012265.

Submissions (12):

Natera, Inc.
Classification: Pathogenic for Primary ciliary dyskinesia. Last evaluated: 2026-01-16. Review status: criteria provided, single submitter. Criteria: Natera Variant Classification Schema (03/2026). Collection method: clinical testing. Allele origin: germline.
Comment: The c.5563dupA variant in DNAH5 is a frameshift variant predicted to shift the reading frame beginning at codon 1855 and leads to a stop codon 6 codons downstream. This variant is expected to result in nonsense mediated decay, truncation, or a dysfunctional protein product. This variant is rare in the general population with a frequency below the threshold expected for the associated phenotype(s). This variant has been observed in one or more individuals affected with the associated recessive disease, as either homozygous or compound heterozygous with a second variant (PMID: 15750039). Given the available evidence, this variant is classified as Pathogenic.

Labcorp Genetics (formerly Invitae), Labcorp
Classification: Pathogenic for Primary ciliary dyskinesia. Last evaluated: 2025-12-10. Review status: criteria provided, single submitter. Criteria: Invitae Variant Classification Sherloc (09022015). Collection method: clinical testing. Allele origin: germline.
Comment: This sequence change creates a premature translational stop signal (p.Ile1855Asnfs*6) in the DNAH5 gene. It is expected to result in an absent or disrupted protein product. Loss-of-function variants in DNAH5 are known to be pathogenic (PMID: 11788826, 16627867). This variant is present in population databases (rs752925056, gnomAD 0.03%). This premature translational stop signal has been observed in individuals with primary ciliary dyskinesia (PMID: 11788826, 25186273, 26228299). ClinVar contains an entry for this variant (Variation ID: 407241). For these reasons, this variant has been classified as Pathogenic.

3billion
Classification: Pathogenic for Primary ciliary dyskinesia 3. Last evaluated: 2025-04-23. Review status: criteria provided, single submitter. Criteria: ACMG Guidelines, 2015. Collection method: clinical testing. Allele origin: germline. Affected: yes.
Comment: The variant is observed at an extremely low frequency in the gnomAD v4.1.0 dataset (total allele frequency: 0.006%). Predicted Consequence/Location: Frameshift: predicted to result in a loss or disruption of normal protein function through nonsense-mediated decay (NMD) or protein truncation. Multiple pathogenic variants are reported downstream of the variant. The variant has been reported at least twice as pathogenic with clinical assertions and evidence for the classification (ClinVar ID: VCV000407241 / PMID: 11788826). Therefore, this variant is classified as Pathogenic according to the recommendation of ACMG/AMP guideline.

GeneDx
Classification: Pathogenic. Last evaluated: 2025-04-01. Review status: criteria provided, single submitter. Criteria: GeneDx Variant Classification Process June 2021. Collection method: clinical testing. Allele origin: germline. Affected: yes.
Comment: Observed multiple times with a pathogenic or likely pathogenic variant on the opposite allele (in trans) and in the homozygous state in patients from different ethnic backgrounds with primary ciliary dyskinesia, with and without situs inversus and congenital heart defects (PMID: 11788826, 16627867, 25186273, 26228299, 28991257, 31638833, 31118369); Frameshift variant predicted to result in protein truncation or nonsense mediated decay in a gene for which loss of function is a known mechanism of disease; Also known as c.5563insA and c.5563_5564insA; This variant is associated with the following publications: (PMID: 36864285, 11788826, 16627867, 31638833, 31118369, 26228299, 17059358, 15750039, 25186273, 28991257, 31772028, 32622824, 31589614, 33577779, 35441720, 38041506)

Fulgent Genetics
Classification: Pathogenic for Primary ciliary dyskinesia 3. Last evaluated: 2024-05-28. Review status: criteria provided, single submitter. Criteria: ACMG Guidelines, 2015. Collection method: clinical testing. Allele origin: germline.

Blueprint Genetics
Classification: Pathogenic for DNAH5-related disorders. Last evaluated: 2023-11-29. Review status: criteria provided, single submitter. Criteria: ACMG Guidelines, 2015. Collection method: clinical testing. Allele origin: germline. Affected: yes. Observed: 5 variant alleles.

Ambry Genetics
Classification: Pathogenic for Primary ciliary dyskinesia. Last evaluated: 2022-09-19. Review status: criteria provided, single submitter. Criteria: Ambry Variant Classification Scheme 2023. Collection method: clinical testing. Allele origin: germline.
Comment: The c.5563dupA pathogenic mutation, located in coding exon 34 of the DNAH5 gene, results from a duplication of A at nucleotide position 5563, causing a translational frameshift with a predicted alternate stop codon (p.I1855Nfs*6). This alteration has been detected in the homozygous state, or in conjunction with another DNAH5 mutation, in multiple individuals with primary ciliary dyskinesia (Hornef N et al. Am J Respir Crit Care Med, 2006 Jul;174:120-6; Guo Z et al. J Pediatr, 2020 10;225:157-165.e5; Kurokawa A et al. Respir Investig, 2021 Jul;59:550-554; Blanchon S et al. J Med Genet, 2020 04;57:237-244; Raidt J et al. Eur Respir J, 2014 Dec;44:1579-88; Djakow J et al. Pediatr Pulmonol, 2016 May;51:498-509). In addition, this alteration has been found to cosegregate with disease in four affected homozygous siblings with consanguineous parentage (Olbrich H et al. Nat. Genet., 2002 Feb;30:143-4; Omran H et al. Am. J. Respir. Cell Mol. Biol., 2000 Nov;23:696-702). This alteration is expected to result in loss of function by premature protein truncation or nonsense-mediated mRNA decay. As such, this alteration is interpreted as a disease-causing mutation.

Centre of Medical Genetics, University Hospital Muenster
Classification: Pathogenic for Primary ciliary dyskinesia 3. Last evaluated: 2022-01-25. Review status: criteria provided, single submitter. Criteria: ACMG Guidelines, 2015. Collection method: clinical testing. Allele origin: germline. Affected: yes. Observed: 1 variant allele, 1 heterozygote.
Comment: ACMG categories: PVS1,PM3,PP5

Johns Hopkins Genomics, Johns Hopkins University
Classification: Pathogenic for Primary ciliary dyskinesia 3. Last evaluated: 2021-10-22. Review status: criteria provided, single submitter. Criteria: ACMG Guidelines, 2015. Collection method: clinical testing. Allele origin: germline.
Comment: DNAH5 c.5563dupA has been reported in multiple individuals with primary ciliary dyskinesia. This variant (rs752925056) is rare (<0.1%) in a large population dataset (gnomAD: 17/282580 total alleles; 0.006%; no homozygotes) and has been reported in ClinVar. This frameshift variant results in a premature stop codon in exon 34 likely leading to nonsense-mediated decay and lack of protein production. We consider DNAH5 c.5563dupA to be pathogenic.

Centre for Mendelian Genomics, University Medical Centre Ljubljana
Classification: Pathogenic for Primary ciliary dyskinesia 3. Last evaluated: 2020-03-12. Review status: criteria provided, single submitter. Criteria: ACMG Guidelines, 2015. Collection method: clinical testing. Allele origin: unknown. Affected: yes.
Comment: This variant was classified as: Pathogenic. The following ACMG criteria were applied in classifying this variant: PVS1,PP1,PP3.

Prenatal Genetic Diagnosis Laboratory, The Chinese University of Hong Kong
Classification: Pathogenic for Primary ciliary dyskinesia 3. Last evaluated: 2021-03-25. Review status: no assertion criteria provided. Collection method: clinical testing. Allele origin: germline. Affected: yes. Not counted in ClinVar's aggregate classification.
Comment: This variant c.5563dupA(p.I1855fs) creates a premature termination codon in exon 34, where nonsense-mediated decay is predicted to occur. The mechanism of pathogenicity in DNAH5 mutations appears to be bi-allelic loss of function [PMID: 16627867] (PVS1). This variant is extremely rare in the gnomAD database (PM2). It was previously reported in patients with primary ciliary dyskinesia and atrial and ventricular septal defects and found to be in trans configuration with another damaging variant or as a homozygote [PMID: 11788826, 28991257, 31118369, 31772028, 32622824] (PM3). It is interpreted as pathogenic according to ACMG/AMP guidelines.

OMIM
Classification: Pathogenic for CILIARY DYSKINESIA, PRIMARY, 3. Last evaluated: 2002-02-01. Review status: no assertion criteria provided. Collection method: literature only. Allele origin: germline. Not counted in ClinVar's aggregate classification.

Literature cited by the submitters: PubMed 15750039 (cited by Natera, Inc.); PubMed 11788826 (cited by 6 submitters); PubMed 16627867 (cited by Labcorp Genetics (formerly Invitae), Labcorp and Ambry Genetics); PubMed 25186273 (cited by Labcorp Genetics (formerly Invitae), Labcorp and Ambry Genetics); PubMed 26228299 (cited by Labcorp Genetics (formerly Invitae), Labcorp and Ambry Genetics); PubMed 11062149 (cited by Ambry Genetics); PubMed 31772028 (cited by Ambry Genetics); PubMed 32502479 (cited by Ambry Genetics and Johns Hopkins Genomics, Johns Hopkins University); PubMed 33589394 (cited by Ambry Genetics and Johns Hopkins Genomics, Johns Hopkins University); DOI doi/10.1002/pd.6151 (cited by Prenatal Genetic Diagnosis Laboratory, The Chinese University of Hong Kong).